The following is an entry in ClinVar:

NM_001183.6(ATP6AP1):c.226A>T (p.Thr76Ser)

Gene: ATP6AP1 (ATPase H+ transporting accessory protein 1; plus strand). Cytogenetic location: Xq28.
Variant type: single nucleotide variant.
Coding change: c.226A>T on transcript NM_001183.6 (MANE Select); coding-DNA position 226, A replaced by T.
Protein change: p.Thr76Ser; replaces threonine 76 with serine.
Molecular consequence: missense variant.
Genome position (GRCh38, 1-based): chrX:154,429,112, A>T. VCF-style: chrX-154429112-A-T. GRCh37 (hg19) VCF-style: chrX-153657458-A-T.
Other names: short protein forms T76S.
Identifiers: ClinVar variation 4775624 (VCV004775624.1).

ClinVar aggregate classification (germline): Uncertain significance (1 of 4 stars; one submission).

gnomAD v4.1: 1 of 1,211,181 alleles (0.000083%); highest among the groups gnomAD compares: Non-Finnish European, 0.00011%; no homozygotes.

Submission:

Labcorp Genetics (formerly Invitae), Labcorp
Classification: Uncertain significance. Last evaluated: 2025-05-13. Review status: criteria provided, single submitter. Criteria: Invitae Variant Classification Sherloc (09022015). Collection method: clinical testing. Allele origin: germline.
Comment: This sequence change replaces threonine, which is neutral and polar, with serine, which is neutral and polar, at codon 76 of the ATP6AP1 protein (p.Thr76Ser). This variant is not present in population databases (gnomAD no frequency). This variant has not been reported in the literature in individuals affected with ATP6AP1-related conditions. Invitae Evidence Modeling of protein sequence and biophysical properties (such as structural, functional, and spatial information, amino acid conservation, physicochemical variation, residue mobility, and thermodynamic stability) indicates that this missense variant is not expected to disrupt ATP6AP1 protein function with a negative predictive value of 80%. In summary, the available evidence is currently insufficient to determine the role of this variant in disease. Therefore, it has been classified as a Variant of Uncertain Significance.